The following is an entry in ClinVar:

ClinVar aggregate classification (germline): Uncertain significance. Review status: criteria provided, multiple submitters, no conflicts (2 of 4 stars). 2 submissions from 2 submitters: Uncertain significance (2). Last evaluated 2025-11-11.

Conditions:
DST-related disorder. Also called: DST-related condition; DST-related disorders.
Epidermolysis bullosa simplex 3, localized or generalized intermediate, with BP230 deficiency (EBS3). Also called: Epidermolysis bullosa simplex, autosomal recessive 2; Epidermolysis bullosa simplex due to BP230 deficiency. Identifiers: Orphanet 412181, MedGen C3809470, MONDO:0014180, OMIM 615425.
Hereditary sensory and autonomic neuropathy type 6. Also called: Neuropathy, hereditary sensory and autonomic, type VI; HSAN VI. Identifiers: Orphanet 314381, MedGen C3539003, MONDO:0013839, OMIM 614653.

Allele frequency attached by ClinVar (database versions not stated): gnomAD 0.00005; TOPMed 0.00007; 1000 Genomes Project 30x 0.00016; 1000 Genomes Project 0.00020.
gnomAD v4.1: 34 of 1,614,100 alleles (0.0021%); highest among the groups gnomAD compares: East Asian, 0.029%; no homozygotes.

Submissions (2):

PreventionGenetics, part of Exact Sciences
Classification: Uncertain significance for DST-related condition. Last evaluated: 2025-11-11. Review status: criteria provided, single submitter. Criteria: ACMG Guidelines, 2015. Collection method: clinical testing. Allele origin: germline.
Comment: The DST c.5264G>A variant is predicted to result in the amino acid substitution p.Arg1755Gln. To our knowledge, this variant has not been reported in the literature. This variant is reported in 0.055% of alleles in individuals of East Asian descent in gnomAD. At this time, the clinical significance of this variant is uncertain due to the absence of conclusive functional and genetic evidence.

Labcorp Genetics (formerly Invitae), Labcorp
Classification: Uncertain significance for Epidermolysis bullosa simplex 3, localized or generalized intermediate, with BP230 deficiency; Hereditary sensory and autonomic neuropathy type 6. Last evaluated: 2024-02-26. Review status: criteria provided, single submitter. Criteria: Invitae Variant Classification Sherloc (09022015). Collection method: clinical testing. Allele origin: germline.
Comment: This sequence change replaces arginine, which is basic and polar, with glutamine, which is neutral and polar, at codon 1755 of the DST protein (p.Arg1755Gln). This variant is present in population databases (rs138995714, gnomAD 0.05%). This variant has not been reported in the literature in individuals affected with DST-related conditions. ClinVar contains an entry for this variant (Variation ID: 649842). An algorithm developed to predict the effect of missense changes on protein structure and function (PolyPhen-2) suggests that this variant is likely to be disruptive. In summary, the available evidence is currently insufficient to determine the role of this variant in disease. Therefore, it has been classified as a Variant of Uncertain Significance.

NM_001723.7(DST):c.5264G>A (p.Arg1755Gln)

Gene: DST (dystonin; minus strand). Cytogenetic location: 6p12.1.
Variant type: single nucleotide variant.
Coding change: c.5264G>A on transcript NM_001723.7 (MANE Plus Clinical); coding-DNA position 5264, G replaced by A.
Protein change: p.Arg1755Gln; replaces arginine 1755 with glutamine.
Molecular consequence: missense variant. On other transcripts: intron variant (10).
Genome position (GRCh38, 1-based): chr6:56,618,770, C>T on the plus strand (G>A on the coding strand, the complement: DST is on the minus strand). VCF-style: chr6-56618770-C-T. GRCh37 (hg19) VCF-style: chr6-56483568-C-T.
Other names: c.4831-4286G>A (NM_001144769.5); c.4930-4286G>A (NM_001374722.1, NM_001374736.1); c.4957-4286G>A (NM_001374734.1); c.4417-4286G>A (NM_001144770.2); c.4297-4286G>A (NM_001374730.1, NM_001386100.1, NM_183380.4 and 1 more transcripts); c.3319-4286G>A (NM_015548.5); short protein forms R1755Q.
Identifiers: ClinVar variation 649842 (VCV000649842.10), dbSNP rs138995714, ClinGen allele CA3870392.